The following is an entry in ClinVar:

ClinVar aggregate classification (germline): Uncertain significance (1 of 4 stars; one submission).

Conditions:
Tuberous sclerosis 1 (TSC1). Identifiers: Orphanet 805, MedGen C1854465, MONDO:0008612, OMIM 191100.

Submission:

Labcorp Genetics (formerly Invitae), Labcorp
Classification: Uncertain significance for Tuberous sclerosis 1. Last evaluated: 2019-06-06. Review status: criteria provided, single submitter. Criteria: Invitae Variant Classification Sherloc (09022015). Collection method: clinical testing. Allele origin: germline.
Comment: In summary, the available evidence is currently insufficient to determine the role of this variant in disease. Therefore, it has been classified as a Variant of Uncertain Significance. Algorithms developed to predict the effect of missense changes on protein structure and function are either unavailable or do not agree on the potential impact of this missense change (SIFT: "Tolerated"; PolyPhen-2: "Probably Damaging"; Align-GVGD: "Class C0"). This variant has not been reported in the literature in individuals with TSC1-related conditions. This variant is not present in population databases (ExAC no frequency). This sequence change replaces leucine with glutamine at codon 782 of the TSC1 protein (p.Leu782Gln). The leucine residue is highly conserved and there is a moderate physicochemical difference between leucine and glutamine.

NM_000368.5(TSC1):c.2345T>A (p.Leu782Gln)

Gene: TSC1 (TSC complex subunit 1; minus strand). Cytogenetic location: 9q34.13.
Variant type: single nucleotide variant.
Coding change: c.2345T>A on transcript NM_000368.5 (MANE Select); coding-DNA position 2345, T replaced by A.
Protein change: p.Leu782Gln; replaces leucine 782 with glutamine.
Molecular consequence: missense variant.
Genome position (GRCh38, 1-based): chr9:132,902,651, A>T on the plus strand (T>A on the coding strand, the complement: TSC1 is on the minus strand). VCF-style: chr9-132902651-A-T. GRCh37 (hg19) VCF-style: chr9-135778038-A-T.
Other names: c.2342T>A, p.Leu781Gln (NM_001162426.2); c.2192T>A, p.Leu731Gln (NM_001162427.2); c.1982T>A, p.Leu661Gln (NM_001362177.2); short protein forms L661Q, L731Q, L781Q, L782Q.
Identifiers: ClinVar variation 944941 (VCV000944941.9), dbSNP rs1845444954, ClinGen allele CA375359375.